The following is an entry in ClinVar:

ClinVar aggregate classification (germline): Conflicting classifications of pathogenicity. Review status: criteria provided, conflicting classifications (1 of 4 stars). 4 submissions from 4 submitters: Uncertain significance (2); Likely benign (2). Last evaluated 2026-09-01.

Conditions:
ZSWIM6-related disorder. Also called: ZSWIM6-related condition.

Submissions (4):

CeGaT Center for Human Genetics Tuebingen
Classification: Likely benign. Last evaluated: 2026-09-01. Review status: criteria provided, single submitter. Criteria: CeGaT Center For Human Genetics Tuebingen Variant Classification Criteria Version 2. Collection method: clinical testing. Allele origin: germline. Affected: yes. Observed: 10 variant alleles.
Comment: ZSWIM6: PM4, BS1, BS2

PreventionGenetics, part of Exact Sciences
Classification: Likely benign for ZSWIM6-related condition. Last evaluated: 2026-07-22. Review status: criteria provided, single submitter. Criteria: ACMG Guidelines, 2015. Collection method: clinical testing. Allele origin: germline.
Comment: This variant is classified as likely benign based on ACMG/AMP sequence variant interpretation guidelines (Richards et al. 2015 PMID: 25741868, with internal and published modifications).

Labcorp Genetics (formerly Invitae), Labcorp
Classification: Uncertain significance. Last evaluated: 2021-01-18. Review status: criteria provided, single submitter. Criteria: Invitae Variant Classification Sherloc (09022015). Collection method: clinical testing. Allele origin: germline.
Comment: In summary, the available evidence is currently insufficient to determine the role of this variant in disease. Therefore, it has been classified as a Variant of Uncertain Significance. Experimental studies and prediction algorithms are not available or were not evaluated, and the functional significance of this variant is currently unknown. This variant has not been reported in the literature in individuals with ZSWIM6-related conditions. The frequency data for this variant in the population databases is considered unreliable, as metrics indicate insufficient coverage at this position in the ExAC database. This variant, c.492_536del, results in the deletion of 15 amino acid(s) of the ZSWIM6 protein (p.Thr167_Ala181del), but otherwise preserves the integrity of the reading frame.

Breakthrough Genomics
Classification: Uncertain significance. Review status: criteria provided, single submitter. Criteria: ACMG Guidelines, 2015. Collection method: not provided. Allele origin: germline. Inheritance: Autosomal dominant inheritance. Affected: yes.

NM_020928.2(ZSWIM6):c.492_536del (p.Thr167_Ala181del)

Gene: ZSWIM6 (zinc finger SWIM-type containing 6; plus strand). Cytogenetic location: 5q12.1.
Variant type: Deletion.
Coding change: c.492_536del on transcript NM_020928.2 (MANE Select); coding-DNA positions 492 to 536, 45 bases deleted.
Protein change: p.Thr167_Ala181del.
Molecular consequence: inframe deletion.
Genome position (GRCh38, 1-based): chr5:61,332,764-61,332,808, 45 bases deleted; deleting any 45 consecutive bases within chr5:61,332,762-61,332,808 gives the same sequence; the c. name uses the placement nearest the transcript's 3' end. GRCh37 (hg19): chr5:60,628,591-60,628,635.
Other names: c.492_536del45 (NM_020928.1).
Identifiers: ClinVar variation 1992030 (VCV001992030.20), dbSNP rs1178371530, ClinGen allele CA560299883.